The following is an entry in ClinVar:

NM_005257.6(GATA6):c.1602A>G (p.Thr534=)

Gene: GATA6 (GATA binding protein 6; plus strand). Cytogenetic location: 18q11.2.
Variant type: single nucleotide variant.
Coding change: c.1602A>G on transcript NM_005257.6 (MANE Select); coding-DNA position 1602, A replaced by G.
Protein change: p.Thr534=; no amino-acid change (threonine 534 retained).
Molecular consequence: synonymous variant.
Genome position (GRCh38, 1-based): chr18:22,183,025, A>G. VCF-style: chr18-22183025-A-G. GRCh37 (hg19) VCF-style: chr18-19762986-A-G.
Other names: c.1602A>G (NM_005257.4).
Identifiers: ClinVar variation 240128 (VCV000240128.45), dbSNP rs146949786, ClinGen allele CA8909027.

ClinVar aggregate classification (germline): Benign/Likely benign. Review status: criteria provided, multiple submitters, no conflicts (2 of 4 stars). 9 submissions from 9 submitters: Benign (6); Likely benign (1). 2 of the submissions do not count toward it. Last evaluated 2026-09-01.

Conditions:
Atrioventricular septal defect 5 (AVSD5). Identifiers: MedGen C3280939, MONDO:0013769, OMIM 614474.

Allele frequency attached by ClinVar (database versions not stated): 1000 Genomes Project 0.00120; 1000 Genomes Project 30x 0.00156; gnomAD exomes 0.00308 and 0.00458; gnomAD 0.00327 and 0.00362; ExAC 0.00341; TOPMed 0.00359; ESP Exome Variant Server 0.00408.
gnomAD v4.1: 7,160 of 1,612,956 alleles (0.44%); highest among the groups gnomAD compares: Non-Finnish European, 0.56%; 22 homozygotes.

Submissions (9):

CeGaT Center for Human Genetics Tuebingen
Classification: Benign. Last evaluated: 2026-09-01. Review status: criteria provided, single submitter. Criteria: CeGaT Center For Human Genetics Tuebingen Variant Classification Criteria Version 2. Collection method: clinical testing. Allele origin: germline. Affected: yes. Observed: 4 variant alleles.
Comment: GATA6: BP4, BP7, BS1, BS2

Labcorp Genetics (formerly Invitae), Labcorp
Classification: Benign for Atrioventricular septal defect 5. Last evaluated: 2026-02-01. Review status: criteria provided, single submitter. Criteria: Invitae Variant Classification Sherloc (09022015). Collection method: clinical testing. Allele origin: germline.

ARUP Laboratories, Molecular Genetics and Genomics, ARUP Laboratories
Classification: Benign. Last evaluated: 2025-05-29. Review status: criteria provided, single submitter. Criteria: ARUP Molecular Germline Variant Investigation Process 2024. Collection method: clinical testing. Allele origin: germline.

Women's Health and Genetics/Laboratory Corporation of America, LabCorp
Classification: Benign. Last evaluated: 2024-12-27. Review status: criteria provided, single submitter. Criteria: LabCorp Variant Classification Summary - May 2015. Collection method: clinical testing. Allele origin: germline.

Blueprint Genetics
Classification: Likely benign. Last evaluated: 2024-11-27. Review status: criteria provided, single submitter. Criteria: ACMG Guidelines, 2015. Collection method: clinical testing. Allele origin: germline.

GeneDx
Classification: Benign. Last evaluated: 2019-12-18. Review status: criteria provided, single submitter. Criteria: GeneDx Variant Classification Process June 2021. Collection method: clinical testing. Allele origin: germline. Affected: yes.

Breakthrough Genomics
Classification: Benign. Review status: criteria provided, single submitter. Criteria: ACMG Guidelines, 2015. Collection method: not provided. Allele origin: germline. Inheritance: Autosomal dominant inheritance. Affected: yes.

Joint Genome Diagnostic Labs from Nijmegen and Maastricht, Radboudumc and MUMC+
Classification: Benign. Review status: no assertion criteria provided. Collection method: clinical testing. Allele origin: germline. Affected: yes. Study: VKGL Data-share Consensus. Not counted in ClinVar's aggregate classification.

Laboratory of Diagnostic Genome Analysis, Leiden University Medical Center (LUMC)
Classification: Likely benign. Review status: no assertion criteria provided. Collection method: clinical testing. Allele origin: germline. Affected: yes. Study: VKGL Data-share Consensus. Not counted in ClinVar's aggregate classification.